The following is an entry in ClinVar:

NM_003070.5(SMARCA2):c.680A>C (p.Gln227Pro)

Gene: SMARCA2 (SWI/SNF related BAF chromatin remodeling complex subunit ATPase 2; plus strand). Cytogenetic location: 9p24.3.
Variant type: single nucleotide variant.
Coding change: c.680A>C on transcript NM_003070.5 (MANE Select); coding-DNA position 680, A replaced by C.
Protein change: p.Gln227Pro; replaces glutamine 227 with proline.
Molecular consequence: missense variant.
Genome position (GRCh38, 1-based): chr9:2,039,790, A>C. VCF-style: chr9-2039790-A-C. GRCh37 (hg19) VCF-style: chr9-2039790-A-C.
Other names: c.680A>C, p.Gln227Pro (NM_001289396.2, NM_001289397.2, NM_139045.4); short protein forms Q227P.
Identifiers: ClinVar variation 588909 (VCV000588909.11), dbSNP rs940521825, ClinGen allele CA4962923.

ClinVar aggregate classification (germline): Benign/Likely benign. Review status: criteria provided, multiple submitters, no conflicts (2 of 4 stars). 3 submissions from 3 submitters: Benign (1); Likely benign (2). Last evaluated 2024-05-29.

Conditions:
Nicolaides-Baraitser syndrome (NCBRS). Also called: Intellectual disability-sparse hair-brachydactyly syndrome; SMARCA2-Related Nicolaides-Baraitser Syndrome. Identifiers: Orphanet 3051, MedGen C1303073, MONDO:0011053, OMIM 601358.
Inborn genetic diseases. Identifiers: MedGen C0950123, MeSH D030342.
Blepharophimosis-impaired intellectual development syndrome. Identifiers: Orphanet 637013, MedGen C5443984, MONDO:0859139, OMIM 619293.

Allele frequency attached by ClinVar (database versions not stated): TOPMed 0.00006; gnomAD 0.00008 and 0.00009; ExAC 0.00012.
gnomAD v4.1: 146 of 1,561,238 alleles (0.0094%); highest among the groups gnomAD compares: Admixed American, 0.017%; no homozygotes.

Submissions (3):

Ambry Genetics
Classification: Likely benign for Inborn genetic diseases. Last evaluated: 2024-05-29. Review status: criteria provided, single submitter. Criteria: Ambry Variant Classification Scheme 2023. Collection method: clinical testing. Allele origin: germline.

Fulgent Genetics
Classification: Likely benign for Nicolaides-Baraitser syndrome; Blepharophimosis-impaired intellectual development syndrome. Last evaluated: 2021-07-30. Review status: criteria provided, single submitter. Criteria: ACMG Guidelines, 2015. Collection method: clinical testing. Allele origin: unknown.

Illumina Laboratory Services, Illumina
Classification: Benign for Nicolaides-Baraitser syndrome. Last evaluated: 2018-01-13. Review status: criteria provided, single submitter. Criteria: ICSL Variant Classification Criteria 13 December 2019. Collection method: clinical testing. Allele origin: germline.
Comment: This variant was observed in the ICSL laboratory as part of a predisposition screen in an ostensibly healthy population. It had not been previously curated by ICSL or reported in the Human Gene Mutation Database (HGMD: prior to June 1st, 2018), and was therefore a candidate for classification through an automated scoring system. Utilizing variant allele frequency, disease prevalence and penetrance estimates, and inheritance mode, an automated score was calculated to assess if this variant is too frequent to cause the disease. Based on the score and internal cut-off values, a variant classified as benign is not then subjected to further curation. The score for this variant resulted in a classification of benign for this disease.